The following is an entry in ClinVar:

NM_004304.5(ALK):c.3211A>G (p.Met1071Val)

Gene: ALK (ALK receptor tyrosine kinase; minus strand). Cytogenetic location: 2p23.2.
Variant type: single nucleotide variant.
Coding change: c.3211A>G on transcript NM_004304.5 (MANE Select); coding-DNA position 3211, A replaced by G.
Protein change: p.Met1071Val; replaces methionine 1071 with valine.
Molecular consequence: missense variant.
Genome position (GRCh38, 1-based): chr2:29,223,490, T>C on the plus strand (A>G on the coding strand, the complement: ALK is on the minus strand). VCF-style: chr2-29223490-T-C. GRCh37 (hg19) VCF-style: chr2-29446356-T-C.
Other names: c.7A>G, p.Met3Val (NM_001353765.2); short protein forms M1071V, M3V.
Identifiers: ClinVar variation 4272948 (VCV004272948.1).

ClinVar aggregate classification (germline): Uncertain significance (1 of 4 stars; one submission).

Conditions:
Hereditary cancer-predisposing syndrome. Also called: Hereditary Cancer Syndrome; Hereditary neoplastic syndrome; Neoplastic Syndromes, Hereditary; Tumor predisposition. Identifiers: Orphanet 140162, MedGen C0027672, MeSH D009386, MONDO:0015356.

Submission:

Ambry Genetics
Classification: Uncertain significance for Hereditary cancer-predisposing syndrome. Last evaluated: 2025-08-20. Review status: criteria provided, single submitter. Criteria: Ambry Variant Classification Scheme 2023. Collection method: clinical testing. Allele origin: germline.
Comment: The p.M1071V variant (also known as c.3211A>G), located in coding exon 20 of the ALK gene, results from an A to G substitution at nucleotide position 3211. The methionine at codon 1071 is replaced by valine, an amino acid with highly similar properties. This amino acid position is conserved. In addition, this alteration is predicted to be tolerated by in silico analysis. Based on the available evidence, the clinical significance of this variant remains unclear.